The following is an entry in ClinVar:

ClinVar aggregate classification (germline): Uncertain significance. Review status: criteria provided, multiple submitters, no conflicts (2 of 4 stars). 2 submissions from 2 submitters: Uncertain significance (2). Last evaluated 2025-07-03.

Conditions:
Rienhoff syndrome. Also called: LOEYS-DIETZ SYNDROME 5. Identifiers: MedGen C3810012, MONDO:0014262, OMIM 615582.

Submissions (2):

Labcorp Genetics (formerly Invitae), Labcorp
Classification: Uncertain significance for Rienhoff syndrome. Last evaluated: 2025-07-03. Review status: criteria provided, single submitter. Criteria: Invitae Variant Classification Sherloc (09022015). Collection method: clinical testing. Allele origin: germline.
Comment: This sequence change replaces isoleucine, which is neutral and non-polar, with threonine, which is neutral and polar, at codon 35 of the TGFB3 protein (p.Ile35Thr). This variant is not present in population databases (gnomAD no frequency). This variant has not been reported in the literature in individuals affected with TGFB3-related conditions. ClinVar contains an entry for this variant (Variation ID: 3370665). An algorithm developed to predict the effect of missense changes on protein structure and function (PolyPhen-2) suggests that this variant is likely to be disruptive. In summary, the available evidence is currently insufficient to determine the role of this variant in disease. Therefore, it has been classified as a Variant of Uncertain Significance.

GeneDx
Classification: Uncertain significance. Last evaluated: 2024-03-08. Review status: criteria provided, single submitter. Criteria: GeneDx Variant Classification Process June 2021. Collection method: clinical testing. Allele origin: germline. Affected: yes.
Comment: Not observed at significant frequency in large population cohorts (gnomAD); In silico analysis supports that this missense variant does not alter protein structure/function; Has not been previously published as pathogenic or benign to our knowledge

NM_003239.5(TGFB3):c.104T>C (p.Ile35Thr)

Gene: TGFB3 (transforming growth factor beta 3; minus strand). Cytogenetic location: 14q24.3.
Variant type: single nucleotide variant.
Coding change: c.104T>C on transcript NM_003239.5 (MANE Select); coding-DNA position 104, T replaced by C.
Protein change: p.Ile35Thr; replaces isoleucine 35 with threonine.
Molecular consequence: missense variant.
Genome position (GRCh38, 1-based): chr14:75,980,790, A>G on the plus strand (T>C on the coding strand, the complement: TGFB3 is on the minus strand). VCF-style: chr14-75980790-A-G. GRCh37 (hg19) VCF-style: chr14-76447133-A-G.
Other names: c.104T>C, p.Ile35Thr (NM_001329938.2, NM_001329939.2); short protein forms I35T.
Identifiers: ClinVar variation 3370665 (VCV003370665.2).